The following is an entry in ClinVar:

NM_001152.5(SLC25A5):c.306T>G (p.Gly102=)

Gene: SLC25A5 (solute carrier family 25 member 5; plus strand). Cytogenetic location: Xq24.
Variant type: single nucleotide variant.
Coding change: c.306T>G on transcript NM_001152.5 (MANE Select); coding-DNA position 306, T replaced by G.
Protein change: p.Gly102=; no amino-acid change (glycine 102 retained).
Molecular consequence: synonymous variant.
Genome position (GRCh38, 1-based): chrX:119,469,855, T>G. VCF-style: chrX-119469855-T-G. GRCh37 (hg19) VCF-style: chrX-118603818-T-G.
Other names: NC_000023.10:g.118603818T>G.
Identifiers: ClinVar variation 3060023 (VCV003060023.3), dbSNP rs77766798, ClinGen allele CA10502051.
Genomic context (GRCh38, chrX:119,469,855, plus strand): 5'-CCCCACCCAGGCTCTTAACTTCGCCTTCAAAGATAAATACAAGCAGATCTTCCTGGGTGG[T>G]GTGGACAAGAGAACCCAGTTTTGGCTCTACTTTGCAGGGAATCTGGCATCGGGTGGTGCC-3'
Protein context (NP_001143.2, residues 92-112): KDKYKQIFLG[Gly102=]VDKRTQFWLY

ClinVar aggregate classification (germline): Likely benign (0 of 4 stars; one submission).

Conditions:
SLC25A5-related disorder. Also called: SLC25A5-related condition.

Allele frequency attached by ClinVar (database versions not stated): ExAC 0.06205; 1000 Genomes Project 30x 0.23205.

Submissions (5):

PreventionGenetics, part of Exact Sciences
Classification: Likely benign for SLC25A5-related condition. Last evaluated: 2020-01-22. Review status: no assertion criteria provided. Collection method: clinical testing. Allele origin: germline.
Comment: This variant is classified as likely benign based on ACMG/AMP sequence variant interpretation guidelines (Richards et al. 2015 PMID: 25741868, with internal and published modifications).

Dr. Peter K. Rogan Lab, Western University
No classification provided (evidence only). Condition: Malignant lymphoma, large B-cell, diffuse. Review status: no classification provided. Collection method: in vitro. Allele origin: not applicable. Functional consequence: retained intron. Not counted in ClinVar's aggregate classification.

Dr. Peter K. Rogan Lab, Western University
No classification provided (evidence only). Condition: Malignant lymphoma, large B-cell, diffuse. Review status: no classification provided. Collection method: in vitro. Allele origin: not applicable. Functional consequence: retained intron. Not counted in ClinVar's aggregate classification.

Dr. Peter K. Rogan Lab, Western University
No classification provided (evidence only). Condition: Malignant lymphoma, large B-cell, diffuse. Review status: no classification provided. Collection method: in vitro. Allele origin: not applicable. Functional consequence: retained intron. Not counted in ClinVar's aggregate classification.

Dr. Peter K. Rogan Lab, Western University
No classification provided (evidence only). Condition: Uterine carcinosarcoma. Review status: no classification provided. Collection method: in vitro. Allele origin: not applicable. Functional consequence: retained intron. Not counted in ClinVar's aggregate classification.